The following is an entry in ClinVar:

NM_000069.3(CACNA1S):c.982C>A (p.Leu328Met)

Gene: CACNA1S (calcium voltage-gated channel subunit alpha1 S; minus strand). Cytogenetic location: 1q32.1.
Variant type: single nucleotide variant.
Coding change: c.982C>A on transcript NM_000069.3 (MANE Select); coding-DNA position 982, C replaced by A.
Protein change: p.Leu328Met; replaces leucine 328 with methionine.
Molecular consequence: missense variant.
Genome position (GRCh38, 1-based): chr1:201,087,848, G>T on the plus strand (C>A on the coding strand, the complement: CACNA1S is on the minus strand). VCF-style: chr1-201087848-G-T. GRCh37 (hg19) VCF-style: chr1-201056976-G-T.
Other names: short protein forms L328M.
Identifiers: ClinVar variation 565413 (VCV000565413.10), dbSNP rs1558078309, ClinGen allele CA344131974.

ClinVar aggregate classification (germline): Uncertain significance. Review status: criteria provided, multiple submitters, no conflicts (2 of 4 stars). 6 submissions from 3 submitters: Uncertain significance (6). Last evaluated 2024-09-27.

Conditions:
Thyrotoxic periodic paralysis, susceptibility to, 1 (TTPP1). Identifiers: Orphanet 79102, MedGen C2749982, MONDO:0008570, OMIM 188580.
Malignant hyperthermia, susceptibility to, 5 (MHS5). Also called: CACNA1S-Related Malignant Hyperthermia Susceptibility. Identifiers: Orphanet 423, MedGen C1866077, MONDO:0011163, OMIM 601887.
Congenital myopathy 18. Also called: Myopathy, congenital, due to dihydropyridine receptor defect; DIHYDROPYRIDINE RECEPTOR CONGENITAL MYOPATHY; DHPR CONGENITAL MYOPATHY. Identifiers: MedGen C5830283, MONDO:0859514, OMIM 620246.
Hypokalemic periodic paralysis, type 1. Also called: HypoPP; Hypokalemic Periodic Paralysis Type 1 (AD). Identifiers: Orphanet 681, MedGen C3714580, MONDO:0042979, OMIM 170400.

Allele frequency attached by ClinVar (database versions not stated): gnomAD exomes below 0.00001.
gnomAD v4.1: 1 of 1,613,224 alleles (0.000062%); highest among the groups gnomAD compares: South Asian, 0.0011%; no homozygotes.

Submissions (6):

Labcorp Genetics (formerly Invitae), Labcorp
Classification: Uncertain significance for Hypokalemic periodic paralysis, type 1; Malignant hyperthermia, susceptibility to, 5. Last evaluated: 2024-09-27. Review status: criteria provided, single submitter. Criteria: Invitae Variant Classification Sherloc (09022015). Collection method: clinical testing. Allele origin: germline.
Comment: This sequence change replaces leucine, which is neutral and non-polar, with methionine, which is neutral and non-polar, at codon 328 of the CACNA1S protein (p.Leu328Met). This variant is not present in population databases (gnomAD no frequency). This variant has not been reported in the literature in individuals affected with CACNA1S-related conditions. ClinVar contains an entry for this variant (Variation ID: 565413). Invitae Evidence Modeling of protein sequence and biophysical properties (such as structural, functional, and spatial information, amino acid conservation, physicochemical variation, residue mobility, and thermodynamic stability) has been performed for this missense variant. However, the output from this modeling did not meet the statistical confidence thresholds required to predict the impact of this variant on CACNA1S protein function. In summary, the available evidence is currently insufficient to determine the role of this variant in disease. Therefore, it has been classified as a Variant of Uncertain Significance.

Genome-Nilou Lab
Classification: Uncertain significance for Malignant hyperthermia, susceptibility to, 5. Last evaluated: 2023-04-11. Review status: criteria provided, single submitter. Criteria: ACMG Guidelines, 2015. Collection method: clinical testing. Allele origin: germline. Affected: no.

Genome-Nilou Lab
Classification: Uncertain significance for Thyrotoxic periodic paralysis, susceptibility to, 1. Last evaluated: 2023-04-11. Review status: criteria provided, single submitter. Criteria: ACMG Guidelines, 2015. Collection method: clinical testing. Allele origin: germline. Affected: no.

Genome-Nilou Lab
Classification: Uncertain significance for Congenital myopathy 18. Last evaluated: 2023-04-11. Review status: criteria provided, single submitter. Criteria: ACMG Guidelines, 2015. Collection method: clinical testing. Allele origin: germline. Affected: no.

Genome-Nilou Lab
Classification: Uncertain significance for Hypokalemic periodic paralysis, type 1. Last evaluated: 2023-04-11. Review status: criteria provided, single submitter. Criteria: ACMG Guidelines, 2015. Collection method: clinical testing. Allele origin: germline. Affected: no.

Neuberg Centre For Genomic Medicine, NCGM
Classification: Uncertain significance for Thyrotoxic periodic paralysis, susceptibility to, 1. Review status: criteria provided, single submitter. Criteria: ACMG Guidelines, 2015. Collection method: clinical testing. Allele origin: germline. Inheritance: Autosomal dominant inheritance. Affected: yes.
Comment: The missense variant in c.982C>A (p.Leu328Met) in CACNA1S gene has not been reported previously as a pathogenic variant nor as a benign variant, to our knowledge. The p.Leu328Met variant is novel (not in any individuals) in gnomAD Exomes and 1000 Genomes. This variant has been reported to the ClinVar database as Uncertain Significance. The amino acid Leu at position 328 is changed to a Met changing protein sequence and it might alter its composition and physico-chemical properties. The amino acid change p.Leu328Met in CACNA1S is predicted as conserved by GERP++ and PhyloP across 100 vertebrates. For these reasons, this variant has been classified as uncertain significance.